The following is an entry in ClinVar:

NM_014727.3(KMT2B):c.3386dup (p.Gln1130fs)

Gene: KMT2B (lysine methyltransferase 2B; plus strand). Cytogenetic location: 19q13.12.
Variant type: Duplication.
Coding change: c.3386dup on transcript NM_014727.3 (MANE Select); coding-DNA position 3386, one base duplicated (T; older notation c.3386dupT).
Protein change: p.Gln1130fs; shifts the reading frame from glutamine 1130.
Molecular consequence: frameshift variant.
Genome position (GRCh38, 1-based): chr19:35,724,688, T duplicated. VCF-style (leftmost placement, unchanged base first): chr19-35724687-C-CT. GRCh37 (hg19) VCF-style: chr19-36215588-C-CT.
Other names: short protein forms Q1130fs.
Identifiers: ClinVar variation 1437671 (VCV001437671.6), dbSNP rs2146448409, ClinGen allele CA2573156250.

ClinVar aggregate classification (germline): Pathogenic (1 of 4 stars; one submission).

Submission:

Labcorp Genetics (formerly Invitae), Labcorp
Classification: Pathogenic. Last evaluated: 2021-04-10. Review status: criteria provided, single submitter. Criteria: Invitae Variant Classification Sherloc (09022015). Collection method: clinical testing. Allele origin: germline.
Comment: This sequence change creates a premature translational stop signal (p.Gln1130Alafs*47) in the KMT2B gene. It is expected to result in an absent or disrupted protein product. Loss-of-function variants in KMT2B are known to be pathogenic (PMID: 27839873, 27992417). For these reasons, this variant has been classified as Pathogenic. This variant has not been reported in the literature in individuals with KMT2B-related conditions. This variant is not present in population databases (ExAC no frequency).

Literature cited by the submitters: PubMed 27839873; PubMed 27992417.